The following is an entry in ClinVar:

NM_000238.4(KCNH2):c.551GCGCGGGCG[1] (p.184GAG[1])

Gene: KCNH2 (potassium voltage-gated channel subfamily H member 2; minus strand). Cytogenetic location: 7q36.1.
Variant type: Microsatellite.
Coding change: c.551GCGCGGGCG[1] on transcript NM_000238.4 (MANE Select); one copy of the 9-base unit GCGCGGGCG starting at c.551; the reference has two copies in a row; one copy, 9 bases deleted; also written c.560_568del.
Protein change: p.184GAG[1].
Molecular consequence: inframe deletion. On other transcripts: inframe indel (8).
Genome position (GRCh38, 1-based): chr7:150,958,407-150,958,415, CGCCCGCGC deleted on the plus strand (GCGCGGGCG on the coding strand, the reverse complement: KCNH2 is on the minus strand); deleting any 9 consecutive bases within chr7:150,958,407-150,958,430 gives the same sequence; the position shown is the placement nearest the transcript's 3' end. VCF-style (leftmost placement, unchanged base first): chr7-150958406-GCGCCCGCGC-G. GRCh37 (hg19) VCF-style: chr7-150655494-GCGCCCGCGC-G.
Other names: c.560_568del (NM_000238.3); c.560_568delGCGCGGGCG (NM_000238.2, NM_000238.3); c.545_553CGGGCGGCG[1], p.Gly187_Gly189del (NM_000238.3, NM_172056.3); c.257_265CGGGCGGCG[1], p.Gly91_Gly93del (NM_001406753.1, NM_001406756.1); c.368_376CGGGCGGCG[1], p.Gly128_Gly130del (NM_001406755.1); c.245_253CGGGCGGCG[1], p.Gly87_Gly89del (NM_001406757.1).
Identifiers: ClinVar variation 200600 (VCV000200600.73), dbSNP rs551056698, ClinGen allele CA008582.

ClinVar aggregate classification (germline): Conflicting classifications of pathogenicity. Review status: criteria provided, conflicting classifications (1 of 4 stars). 13 submissions from 13 submitters: Uncertain significance (2); Benign (7); Likely benign (4). Last evaluated 2026-01-26.

Conditions:
Cardiovascular phenotype. Identifiers: MedGen CN230736.
Short QT syndrome type 1. Identifiers: Orphanet 51083, MedGen C1865020, MONDO:0012312, OMIM 609620.
Long QT syndrome 2 (LQT2). Identifiers: Orphanet 101016, Orphanet 768, MedGen C3150943, MONDO:0013367, OMIM 613688.
Long QT syndrome (LQTS). Identifiers: MedGen C0023976, MeSH D008133, MONDO:0002442. Disease mechanism: loss of function. Inheritance: Various modes of inheritance.
Long QT syndrome 1 (LQT1). Identifiers: Orphanet 101016, Orphanet 768, MedGen C4551647, MONDO:0100316, OMIM 192500, MONDO:0008646.

Submissions (13):

Labcorp Genetics (formerly Invitae), Labcorp
Classification: Benign for Long QT syndrome. Last evaluated: 2026-01-26. Review status: criteria provided, single submitter. Criteria: Invitae Variant Classification Sherloc (09022015). Collection method: clinical testing. Allele origin: germline.

CeGaT Center for Human Genetics Tuebingen
Classification: Benign. Last evaluated: 2024-07-01. Review status: criteria provided, single submitter. Criteria: CeGaT Center For Human Genetics Tuebingen Variant Classification Criteria Version 2. Collection method: clinical testing. Allele origin: germline. Affected: yes. Observed: 3 variant alleles.
Comment: KCNH2: BS1, BS2

Blueprint Genetics
Classification: Likely benign. Last evaluated: 2024-06-28. Review status: criteria provided, single submitter. Criteria: ACMG Guidelines, 2015. Collection method: clinical testing. Allele origin: germline.

ARUP Laboratories, Molecular Genetics and Genomics, ARUP Laboratories
Classification: Likely benign. Last evaluated: 2023-10-16. Review status: criteria provided, single submitter. Criteria: ARUP Molecular Germline Variant Investigation Process 2024. Collection method: clinical testing. Allele origin: germline.

GeneDx
Classification: Benign. Last evaluated: 2022-04-08. Review status: criteria provided, single submitter. Criteria: GeneDx Variant Classification Process June 2021. Collection method: clinical testing. Allele origin: germline. Affected: yes.
Comment: See Variant Classification Assertion Criteria.

Molecular Diagnostic Laboratory for Inherited Cardiovascular Disease, Montreal Heart Institute
Classification: Benign. Last evaluated: 2019-11-18. Review status: criteria provided, single submitter. Criteria: ACMG Guidelines, 2015. Collection method: clinical testing. Allele origin: germline. Affected: yes.

Athena Diagnostics
Classification: Benign. Last evaluated: 2018-05-01. Review status: criteria provided, single submitter. Criteria: Athena Diagnostics Criteria. Collection method: clinical testing. Allele origin: germline.

Agnes Ginges Centre for Molecular Cardiology, Centenary Institute
Classification: Likely benign for Long QT syndrome 1. Last evaluated: 2017-03-16. Review status: criteria provided, single submitter. Criteria: Agnes Ginges Centre for Molecular Cardiology criteria (2015). Collection method: research. Allele origin: germline. Inheritance: Autosomal dominant inheritance. Affected: yes.
Comment: The KCNH2 Gly187_Gly189del is a 9 bp in-frame deletion. This variant was present at high frequency in the 1000 genomes project (MAF= 0.0028), as well as the Exome Aggregation Consortium dataset (MAF= 0.008). Computational tools SIFT, MutationTaster, and PolyPhen-2 predict this variant to be tolerated. In summary, based on high frequency in general populations and in silico tools predicting no affect on the protein, we classify the KCNH2 Gly187_Gly189del variant as "likely benign".

Women's Health and Genetics/Laboratory Corporation of America, LabCorp
Classification: Benign. Last evaluated: 2017-02-06. Review status: criteria provided, single submitter. Criteria: LabCorp Variant Classification Summary - May 2015. Collection method: clinical testing. Allele origin: germline.
Comment: Variant summary: The KCNH2 c.560_568delGCGCGGGCG (p.Gly187_Gly189del) variant involves an in-frame deletion of 9 nucleotides. One in silico tool predicts a benign outcome for this variant, which was confirmed by an in vitro electrophysiology study (Mannikko_2010). This variant was found in 15/10674 control chromosomes at a frequency of 0.0014053, which is approximately 14 times the estimated maximal expected allele frequency of a pathogenic KCNH2 variant (0.0001), suggesting this variant is likely a benign polymorphism. This variant has been reported in multiple individuals without clinical information(Shimizu_2009, Goldenberg_2011, Itoh_2016). In addition, multiple clinical diagnostic laboratories/reputable databases classified this variant as likely benign/benign. Taken together, this variant is classified as benign.

Ambry Genetics
Classification: Benign for Cardiovascular phenotype. Last evaluated: 2016-12-20. Review status: criteria provided, single submitter. Criteria: Ambry Variant Classification Scheme 2023. Collection method: clinical testing. Allele origin: germline.

Laboratory for Molecular Medicine, Mass General Brigham Personalized Medicine
Classification: Uncertain significance. Last evaluated: 2016-03-31. Review status: criteria provided, single submitter. Criteria: LMM Criteria. Collection method: clinical testing. Allele origin: germline.
Comment: Variant identified in a genome or exome case(s) and assessed due to predicted null impact of the variant or pathogenic assertions in the literature or databases. Disclaimer: This variant has not undergone full assessment. The following are preliminary notes: Poor coverage; Reported in 4 probands; ExAC: 0.2% (12/6666) South Asian - does not pass filter

Genomic Diagnostic Laboratory, Division of Genomic Diagnostics, Children's Hospital of Philadelphia
Classification: Likely benign for Long QT syndrome 2. Last evaluated: 2015-10-30. Review status: criteria provided, single submitter. Criteria: DGD Variant Analysis Guidelines. Collection method: clinical testing. Allele origin: unknown.

Center for Genomics, Ann and Robert H. Lurie Children's Hospital of Chicago
Classification: Uncertain significance for Short QT syndrome type 1; Long QT syndrome 2. Review status: criteria provided, single submitter. Criteria: ACMG Guidelines, 2015. Collection method: clinical testing. Allele origin: germline.
Comment: KCNH2 NM_000238.3 exon 4 p.Gly187_Gly189del (c.560_568delGCGCGGGCG):This variant has been reported in the literature in at least 2 individuals with arrhythmia (i.e. sudden cardiac death, Long QT syndrome) (Shimizu 2009 PMID:19926013, Novotny 2011 PMID:21410720). This variant is present in 0.8% (76/9382) of African alleles, including 1 homozygote, in the Genome Aggregation Database. This variant is present in ClinVar, with several labs classifying this variant as likely benign or benign (Variation ID:200600). Evolutionary conservation and computational predictive tools for this variant are limited or unavailable. This variant represents an in-frame deletion of 3 amino acids at position 187 within a repetitive region and is not predicted to alter the reading frame. However, the effect of this variant on the protein is unclear. In summary, data on this variant is insufficient for disease classification. Therefore, the clinical significance of this variant is uncertain

Literature cited by the submitters: PubMed 19926013 (cited by Athena Diagnostics and Women's Health and Genetics/Laboratory Corporation of America, LabCorp); PubMed 21410720 (cited by Athena Diagnostics); PubMed 14661677 (cited by Women's Health and Genetics/Laboratory Corporation of America, LabCorp and Ambry Genetics); PubMed 19673885 (cited by Women's Health and Genetics/Laboratory Corporation of America, LabCorp); PubMed 21185501 (cited by Women's Health and Genetics/Laboratory Corporation of America, LabCorp and Ambry Genetics); PubMed 26669661 (cited by Ambry Genetics).